The following is an entry in ClinVar:

NM_021224.6(ZNF462):c.1580G>A (p.Gly527Asp)

Gene: ZNF462 (zinc finger protein 462; plus strand). Cytogenetic location: 9q31.2.
Variant type: single nucleotide variant.
Coding change: c.1580G>A on transcript NM_021224.6 (MANE Select); coding-DNA position 1580, G replaced by A.
Protein change: p.Gly527Asp; replaces glycine 527 with aspartic acid.
Molecular consequence: missense variant.
Genome position (GRCh38, 1-based): chr9:106,925,492, G>A. VCF-style: chr9-106925492-G-A. GRCh37 (hg19) VCF-style: chr9-109687773-G-A.
Other names: c.1580G>A, p.Gly527Asp (NM_001347997.2); c.1580G>A (NM_021224.4); short protein forms G527D.
Identifiers: ClinVar variation 3026489 (VCV003026489.23), dbSNP rs779079488, ClinGen allele CA5171352.

ClinVar aggregate classification (germline): Likely benign. Review status: criteria provided, multiple submitters, no conflicts (2 of 4 stars). 2 submissions from 2 submitters: Likely benign (2). Last evaluated 2025-08-14.

Conditions:
Inborn genetic diseases. Identifiers: MedGen C0950123, MeSH D030342.

Allele frequency attached by ClinVar (database versions not stated): ExAC 0.00003; gnomAD 0.00005; TOPMed 0.00006.
gnomAD v4.1: 89 of 1,613,970 alleles (0.0055%); highest among the groups gnomAD compares: Middle Eastern, 0.033%; no homozygotes.

Submissions (2):

Ambry Genetics
Classification: Likely benign for Inborn genetic diseases. Last evaluated: 2025-08-14. Review status: criteria provided, single submitter. Criteria: Ambry Variant Classification Scheme 2023. Collection method: clinical testing. Allele origin: germline.

CeGaT Center for Human Genetics Tuebingen
Classification: Likely benign. Last evaluated: 2023-12-01. Review status: criteria provided, single submitter. Criteria: CeGaT Center For Human Genetics Tuebingen Variant Classification Criteria Version 2. Collection method: clinical testing. Allele origin: germline. Affected: yes. Observed: 1 variant allele.
Comment: ZNF462: BS2